The following is an entry in ClinVar:

ClinVar aggregate classification (germline): Uncertain significance (1 of 4 stars; one submission).

Conditions:
Joubert syndrome. Also called: CEREBELLOPARENCHYMAL DISORDER IV; JOUBERT-BOLTSHAUSER SYNDROME; Familial aplasia of the vermis. Identifiers: Orphanet 475, MedGen C5979921, MONDO:0018772.
Orofaciodigital syndrome I (OFD1). Also called: OFDS I; Papillon-Leage and Psaume Syndrome; Oral-Facial-Digital Syndrome Type I. Identifiers: Orphanet 2750, MedGen C1510460, MONDO:0010702, OMIM 311200.

Submission:

Labcorp Genetics (formerly Invitae), Labcorp
Classification: Uncertain significance for Orofaciodigital syndrome I; Joubert syndrome. Last evaluated: 2021-09-03. Review status: criteria provided, single submitter. Criteria: Invitae Variant Classification Sherloc (09022015). Collection method: clinical testing. Allele origin: germline.
Comment: In summary, the available evidence is currently insufficient to determine the role of this variant in disease. Therefore, it has been classified as a Variant of Uncertain Significance. Algorithms developed to predict the effect of missense changes on protein structure and function output the following: SIFT: "Tolerated"; PolyPhen-2: "Benign"; Align-GVGD: "Class C0". The histidine amino acid residue is found in multiple mammalian species, suggesting that this missense change does not adversely affect protein function. These predictions have not been confirmed by published functional studies and their clinical significance is uncertain. This variant has not been reported in the literature in individuals with OFD1-related conditions. This variant is not present in population databases (ExAC no frequency). This sequence change replaces glutamine with histidine at codon 864 of the OFD1 protein (p.Gln864His). The glutamine residue is weakly conserved and there is a small physicochemical difference between glutamine and histidine.

NM_003611.3(OFD1):c.2592G>T (p.Gln864His)

Gene: OFD1 (OFD1 centriole and centriolar satellite protein; plus strand). Cytogenetic location: Xp22.2.
Variant type: single nucleotide variant.
Coding change: c.2592G>T on transcript NM_003611.3 (MANE Select); coding-DNA position 2592, G replaced by T.
Protein change: p.Gln864His; replaces glutamine 864 with histidine.
Molecular consequence: missense variant.
Genome position (GRCh38, 1-based): chrX:13,763,848, G>T. VCF-style: chrX-13763848-G-T. GRCh37 (hg19) VCF-style: chrX-13781967-G-T.
Other names: c.2472G>T, p.Gln824His (NM_001330209.2); c.2172G>T, p.Gln724His (NM_001330210.2); short protein forms Q824H, Q864H, Q724H.
Identifiers: ClinVar variation 1355080 (VCV001355080.8), dbSNP rs2147067144, ClinGen allele CA412345621.
Genomic context (GRCh38, chrX:13,763,848, plus strand): 5'-TCCTGCCGGGGATATGTCTCATGTGGACGCTGCTGCAGCTGCTGTGCCCCTCTCATATCA[G>T]CACCCAAGTAAGTTCTTTTTTTGAACTAACAGTCAGCAGGGTCGCATACTAAATACCAGT-3'
Protein context (NP_003602.1, residues 854-874): AAAAAVPLSY[Gln864His]HPSVDQKQIE